The following is an entry in ClinVar:

NM_000282.4(PCCA):c.1438C>A (p.His480Asn)

Gene: PCCA (propionyl-CoA carboxylase subunit alpha; plus strand). Cytogenetic location: 13q32.3.
Variant type: single nucleotide variant.
Coding change: c.1438C>A on transcript NM_000282.4 (MANE Select); coding-DNA position 1438, C replaced by A.
Protein change: p.His480Asn; replaces histidine 480 with asparagine.
Molecular consequence: missense variant. On other transcripts: non-coding transcript variant (5).
Genome position (GRCh38, 1-based): chr13:100,330,569, C>A. VCF-style: chr13-100330569-C-A. GRCh37 (hg19) VCF-style: chr13-100982823-C-A.
Other names: c.1360C>A, p.His454Asn (NM_001127692.3, NM_001352607.2); c.1438C>A, p.His480Asn (NM_001178004.2, NM_001352605.2, NM_001352609.2); c.1294C>A, p.His432Asn (NM_001352606.2); c.1216C>A, p.His406Asn (NM_001352608.2); c.493C>A, p.His165Asn (NM_001352610.2, NM_001352611.2); c.349C>A, p.His117Asn (NM_001352612.2); short protein forms H165N, H406N, H454N, H480N, H432N, H117N.
Identifiers: ClinVar variation 2162947 (VCV002162947.2), dbSNP rs1022329050, ClinGen allele CA255990438.
Genomic context (GRCh38, chr13:100,330,569, plus strand): 5'-TCAATTTTTCACTGATTCATTGTTCTTCAATTTGATATCATTTTACTTTTAGGTGTTACA[C>A]ATAATATTGCATTACTTCGAGAGGTGATAATCAACTCACGCTTTGTAAAAGGAGACATCA-3'
Protein context (NP_000273.2, residues 470-490): LDNYVIRGVT[His480Asn]NIALLREVII

ClinVar aggregate classification (germline): Uncertain significance (1 of 4 stars; one submission).

Conditions:
Propionic acidemia (PROP). Also called: GLYCINEMIA, KETOTIC; HYPERGLYCINEMIA WITH KETOACIDOSIS AND LEUKOPENIA; KETOTIC HYPERGLYCINEMIA. Identifiers: Orphanet 35, MedGen C0268579, MONDO:0011628, OMIM 606054, HP:0003571.

Allele frequency attached by ClinVar (database versions not stated): gnomAD exomes below 0.00001.
gnomAD v4.1: 5 of 1,590,978 alleles (0.00031%); highest among the groups gnomAD compares: Non-Finnish European, 0.00043%; no homozygotes.

Submission:

Labcorp Genetics (formerly Invitae), Labcorp
Classification: Uncertain significance for Propionic acidemia. Last evaluated: 2022-08-23. Review status: criteria provided, single submitter. Criteria: Invitae Variant Classification Sherloc (09022015). Collection method: clinical testing. Allele origin: germline.
Comment: This sequence change replaces histidine, which is basic and polar, with asparagine, which is neutral and polar, at codon 480 of the PCCA protein (p.His480Asn). This variant is not present in population databases (gnomAD no frequency). This variant has not been reported in the literature in individuals affected with PCCA-related conditions. Advanced modeling of protein sequence and biophysical properties (such as structural, functional, and spatial information, amino acid conservation, physicochemical variation, residue mobility, and thermodynamic stability) performed at Invitae indicates that this missense variant is not expected to disrupt PCCA protein function. In summary, the available evidence is currently insufficient to determine the role of this variant in disease. Therefore, it has been classified as a Variant of Uncertain Significance.